The following is an entry in ClinVar:

ClinVar aggregate classification (germline): Pathogenic. Review status: criteria provided, multiple submitters, no conflicts (2 of 4 stars). 2 submissions from 2 submitters: Pathogenic (2). Last evaluated 2023-03-18.

Conditions:
Walker-Warburg congenital muscular dystrophy. Also called: Muscular dystrophy-dystroglycanopathy, type A; Walker-Warburg syndrome. Identifiers: Orphanet 899, MedGen C0265221, MONDO:0000171.
Autosomal recessive limb-girdle muscular dystrophy type 2K. Also called: MUSCULAR DYSTROPHY-DYSTROGLYCANOPATHY (LIMB-GIRDLE), TYPE C, 1; MUSCULAR DYSTROPHY, LIMB-GIRDLE, TYPE 2K. Identifiers: Orphanet 86812, MedGen C1836373, MONDO:0012248, OMIM 609308.
Muscular dystrophy-dystroglycanopathy (congenital with impaired intellectual development), type B, 1. Also called: MUSCULAR DYSTROPHY, CONGENITAL, POMT1-RELATED; Muscular dystrophy-dystroglycanopathy (congenital with intellectual disability), type B1. Identifiers: MedGen C5436962, MONDO:0013159, OMIM 613155.

Submissions (2):

Labcorp Genetics (formerly Invitae), Labcorp
Classification: Pathogenic for Muscular dystrophy-dystroglycanopathy (congenital with impaired intellectual development), type B, 1; Walker-Warburg congenital muscular dystrophy; Autosomal recessive limb-girdle muscular dystrophy type 2K. Last evaluated: 2023-03-18. Review status: criteria provided, single submitter. Criteria: Invitae Variant Classification Sherloc (09022015). Collection method: clinical testing. Allele origin: germline.
Comment: For these reasons, this variant has been classified as Pathogenic. ClinVar contains an entry for this variant (Variation ID: 162594). This premature translational stop signal has been observed in individual(s) with POMT1-related conditions (PMID: 24901346). This variant is not present in population databases (gnomAD no frequency). This sequence change creates a premature translational stop signal (p.Tyr515*) in the POMT1 gene. It is expected to result in an absent or disrupted protein product. Loss-of-function variants in POMT1 are known to be pathogenic (PMID: 12369018, 15637732, 16575835).

GeneDx
Classification: Pathogenic. Last evaluated: 2016-07-01. Review status: criteria provided, single submitter. Criteria: GeneDx Variant Classification (06012015). Collection method: clinical testing. Allele origin: germline. Affected: yes.
Comment: c.1544_1545insA, p.Tyr515Stop in exon 15 of the POMT1 gene (NM_007171.3). The normal sequence with the bases that are inserted in braces is: GATA{A}CGGC. The Y515X pathogenic variant in the POMT1 gene results in the replacement of a Tyrosine codon with a stop codon at amino acid position 515. The presence of a homozygous pathogenic variant in this position is consistent with a diagnosis of muscular dystrophy-dystroglycanopathy (MDDG), a disorder with an autosomal recessive mode of inheritance. The Y515X pathogenic variant is predicted to cause loss of normal protein function either through protein truncation or nonsense-mediated mRNA decay. The variant is found in POMT1 panel(s).

Literature cited by the submitters: PubMed 24901346 (cited by Labcorp Genetics (formerly Invitae), Labcorp); PubMed 12369018 (cited by Labcorp Genetics (formerly Invitae), Labcorp); PubMed 15637732 (cited by Labcorp Genetics (formerly Invitae), Labcorp); PubMed 16575835 (cited by Labcorp Genetics (formerly Invitae), Labcorp).

NM_001077365.2(POMT1):c.1478dup (p.Tyr493Ter)

Gene: POMT1 (protein O-mannosyltransferase 1; plus strand). Cytogenetic location: 9q34.13.
Variant type: Duplication.
Coding change: c.1478dup on transcript NM_001077365.2 (MANE Select); coding-DNA position 1478, one base duplicated (A; older notation c.1478dupA).
Protein change: p.Tyr493Ter; replaces tyrosine 493 with a stop codon.
Molecular consequence: nonsense. On other transcripts: non-coding transcript variant (10), intron variant (1).
Genome position (GRCh38, 1-based): chr9:131,518,949, A duplicated. VCF-style (leftmost placement, unchanged base first): chr9-131518948-T-TA. GRCh37 (hg19) VCF-style: chr9-134394335-T-TA.
Other names: c.1316dup, p.Tyr439Ter (NM_001077366.2, NM_001353194.2); c.1478dup, p.Tyr493Ter (NM_001136113.2); c.1127dup, p.Tyr376Ter (NM_001136114.2, NM_001353195.2, NM_001374691.1 and 2 more transcripts); c.1544dup, p.Tyr515Ter (NM_001353193.2, NM_007171.4); c.1388dup, p.Tyr463Ter (NM_001353196.2); c.1382dup, p.Tyr461Ter (NM_001353197.2, NM_001353198.2); c.1193dup, p.Tyr398Ter (NM_001353199.2); c.1022dup, p.Tyr341Ter (NM_001353200.2); and 4 more; short protein forms Y376*, Y398*, Y461*, Y463*, Y493*, Y341*, Y363*, Y439*.
Identifiers: ClinVar variation 162594 (VCV000162594.5), dbSNP rs727502854, ClinGen allele CA295431.